The following is an entry in ClinVar:

ClinVar aggregate classification (germline): Uncertain significance (1 of 4 stars; one submission).

Allele frequency attached by ClinVar (database versions not stated): TOPMed below 0.00001.

Submission:

GeneDx
Classification: Uncertain significance. Last evaluated: 2020-08-19. Review status: criteria provided, single submitter. Criteria: GeneDx Variant Classification Process June 2021. Collection method: clinical testing. Allele origin: germline. Affected: yes.
Comment: Not observed in large population cohorts (Lek et al., 2016); In silico analysis supports that this missense variant has a deleterious effect on protein structure/function; Has not been previously published as pathogenic or benign to our knowledge

NM_170606.3(KMT2C):c.2647A>G (p.Lys883Glu)

Gene: KMT2C (lysine methyltransferase 2C; minus strand). Cytogenetic location: 7q36.1.
Variant type: single nucleotide variant.
Coding change: c.2647A>G on transcript NM_170606.3 (MANE Select); coding-DNA position 2647, A replaced by G.
Protein change: p.Lys883Glu; replaces lysine 883 with glutamic acid.
Molecular consequence: missense variant.
Genome position (GRCh38, 1-based): chr7:152,238,712, T>C on the plus strand (A>G on the coding strand, the complement: KMT2C is on the minus strand). VCF-style: chr7-152238712-T-C. GRCh37 (hg19) VCF-style: chr7-151935797-T-C.
Other names: short protein forms K883E.
Identifiers: ClinVar variation 1212338 (VCV001212338.3), dbSNP rs2095329906, ClinGen allele CA370112631.